The following is an entry in ClinVar:

ClinVar aggregate classification (germline): Likely benign (1 of 4 stars; one submission).

Allele frequency attached by ClinVar (database versions not stated): gnomAD exomes below 0.00001; TOPMed below 0.00001.

Submission:

GeneDx
Classification: Likely benign. Last evaluated: 2017-12-18. Review status: criteria provided, single submitter. Criteria: GeneDx Variant Classification (06012015). Collection method: clinical testing. Allele origin: germline. Affected: yes.
Comment: This variant is considered likely benign or benign based on one or more of the following criteria: it is a conservative change, it occurs at a poorly conserved position in the protein, it is predicted to be benign by multiple in silico algorithms, and/or has population frequency not consistent with disease.

NM_007103.4(NDUFV1):c.687C>T (p.Phe229=)

Gene: NDUFV1 (NADH:ubiquinone oxidoreductase core subunit V1; plus strand). Cytogenetic location: 11q13.2.
Variant type: single nucleotide variant.
Coding change: c.687C>T on transcript NM_007103.4 (MANE Select); coding-DNA position 687, C replaced by T.
Protein change: p.Phe229=; no amino-acid change (phenylalanine 229 retained).
Molecular consequence: synonymous variant.
Genome position (GRCh38, 1-based): chr11:67,610,557, C>T. VCF-style: chr11-67610557-C-T. GRCh37 (hg19) VCF-style: chr11-67378028-C-T.
Other names: c.660C>T, p.Phe220= (NM_001166102.2).
Identifiers: ClinVar variation 514077 (VCV000514077.1), dbSNP rs1555025574, ClinGen allele CA475412909.